The following is an entry in ClinVar:

NM_000202.8(IDS):c.104-16C>T

Gene: IDS (iduronate 2-sulfatase; minus strand). Cytogenetic location: Xq28.
Variant type: single nucleotide variant.
Coding change: c.104-16C>T on transcript NM_000202.8 (MANE Select); 16 bases into the intron before coding-DNA position 104, C replaced by T.
Molecular consequence: intron variant.
Genome position (GRCh38, 1-based): chrX:149,504,309, G>A on the plus strand (C>T on the coding strand, the complement: IDS is on the minus strand). VCF-style: chrX-149504309-G-A. GRCh37 (hg19) VCF-style: chrX-148585839-G-A.
Other names: p.?; c.-123-16C>T (NM_001166550.4); c.104-16C>T (NM_006123.5).
Identifiers: ClinVar variation 2995947 (VCV002995947.4), dbSNP rs1557340437, ClinGen allele CA2465011198.
Genomic context (GRCh38, chrX:149,504,309, plus strand): 5'-AGGGGCGCAGGTCATCCACGATGATGAGAAGAACGTTCAGAGCATCTACACAGGAGGGAG[G>A]GGCTTTGGTGAGGTAACCTGCACTGACACTGAACCCTCCCTCATGGTAGGTGCTAGGTTA-3'

ClinVar aggregate classification (germline): Likely benign. Review status: criteria provided, multiple submitters, no conflicts (2 of 4 stars). 2 submissions from 2 submitters: Likely benign (2). Last evaluated 2025-02-11.

Conditions:
Mucopolysaccharidosis, MPS-II (MPS2). Also called: Attenuated MPS (subtype; formerly known as mild MPS II); Severe MPS II; I2S deficiency; MPS 2; Hunter Syndrome; IDURONATE 2-SULFATASE DEFICIENCY. Identifiers: Orphanet 580, Orphanet 79388, MedGen C0026705, MONDO:0010674, OMIM 309900.

gnomAD v4.1: 2 of 1,200,410 alleles (0.00017%); highest among the groups gnomAD compares: East Asian, 0.006%; no homozygotes.

Submissions (2):

Mayo Clinic Laboratories, Mayo Clinic
Classification: Likely benign. Last evaluated: 2025-02-11. Review status: criteria provided, single submitter. Criteria: ACMG Guidelines, 2015. Collection method: clinical testing. Allele origin: germline. Observed: 1 variant allele.
Comment: BP4, BP7

Labcorp Genetics (formerly Invitae), Labcorp
Classification: Likely benign for Mucopolysaccharidosis, MPS-II. Last evaluated: 2023-04-11. Review status: criteria provided, single submitter. Criteria: Invitae Variant Classification Sherloc (09022015). Collection method: clinical testing. Allele origin: germline.